The following is an entry in ClinVar:

ClinVar aggregate classification (germline): Benign/Likely benign. Review status: criteria provided, multiple submitters, no conflicts (2 of 4 stars). 8 submissions from 8 submitters: Benign (5); Likely benign (2). 1 of the submissions does not count toward it. Last evaluated 2026-01-13.

Conditions:
Inborn genetic diseases. Identifiers: MedGen C0950123, MeSH D030342.
Hypogonadotropic hypogonadism 5 with or without anosmia (KAL5). Also called: HYPOGONADOTROPIC HYPOGONADISM 5 WITH ANOSMIA; HYPOGONADOTROPHIC HYPOGONADISM 5 WITHOUT ANOSMIA; CHD7-Related GnRH Deficiency (Kallmann Syndrome 5). Identifiers: Orphanet 478, MedGen C3552553, MONDO:0012880, OMIM 612370. Disease mechanism: loss of function.
CHARGE syndrome (CHARGE). Also called: CHARGE ASSOCIATION--COLOBOMA, HEART ANOMALY, CHOANAL ATRESIA, RETARDATION, GENITAL AND EAR ANOMALIES; Coloboma, heart anomaly, choanal atresia, retardation, genital and ear anomalies; CHARGE association; Hall-Hittner syndrome; Hittner Hirsch Kreh syndrome. Identifiers: Orphanet 138, MedGen C0265354, MONDO:0008965.
CHD7-related disorder. Also called: CHD7-related condition.

Allele frequency attached by ClinVar (database versions not stated): gnomAD 0.00008 and 0.00017; TOPMed 0.00014; gnomAD exomes 0.00021 and 0.00024; ExAC 0.00029; 1000 Genomes Project 30x 0.00062; 1000 Genomes Project 0.00080.
gnomAD v4.1: 376 of 1,612,044 alleles (0.023%); highest among the groups gnomAD compares: East Asian, 0.71%; 3 homozygotes.

Submissions (8):

Labcorp Genetics (formerly Invitae), Labcorp
Classification: Benign for CHARGE syndrome. Last evaluated: 2026-01-13. Review status: criteria provided, single submitter. Criteria: Invitae Variant Classification Sherloc (09022015). Collection method: clinical testing. Allele origin: germline.

Blueprint Genetics
Classification: Likely benign. Last evaluated: 2023-11-09. Review status: criteria provided, single submitter. Criteria: ACMG Guidelines, 2015. Collection method: clinical testing. Allele origin: germline.

CeGaT Center for Human Genetics Tuebingen
Classification: Benign. Last evaluated: 2022-12-01. Review status: criteria provided, single submitter. Criteria: CeGaT Center For Human Genetics Tuebingen Variant Classification Criteria Version 2. Collection method: clinical testing. Allele origin: germline. Affected: yes. Observed: 1 variant allele.
Comment: CHD7: BS1, BS2

GeneDx
Classification: Benign. Last evaluated: 2021-05-18. Review status: criteria provided, single submitter. Criteria: GeneDx Variant Classification Process June 2021. Collection method: clinical testing. Allele origin: germline. Affected: yes.
Comment: This variant is associated with the following publications: (PMID: 31748124)

Illumina Laboratory Services, Illumina
Classification: Benign for Kallmann Syndrome 5. Last evaluated: 2017-11-16. Review status: criteria provided, single submitter. Criteria: ICSL Variant Classification Criteria 13 December 2019. Collection method: clinical testing. Allele origin: germline.
Comment: This variant was observed as part of a predisposition screen in an ostensibly healthy population. A literature search was performed for the gene, cDNA change, and amino acid change (where applicable). No publications were found based on this search. Allele frequency data from public databases was too high to be consistent with this variant causing disease. Therefore, this variant is classified as benign.

Ambry Genetics
Classification: Likely benign for Inborn genetic diseases. Last evaluated: 2017-06-29. Review status: criteria provided, single submitter. Criteria: Ambry Variant Classification Scheme 2023. Collection method: clinical testing. Allele origin: germline.

Breakthrough Genomics
Classification: Benign. Review status: criteria provided, single submitter. Criteria: ACMG Guidelines, 2015. Collection method: not provided. Allele origin: germline. Inheritance: Autosomal dominant inheritance. Affected: yes.

PreventionGenetics, part of Exact Sciences
Classification: Likely benign for CHD7-related condition. Last evaluated: 2019-12-17. Review status: no assertion criteria provided. Collection method: clinical testing. Allele origin: germline. Not counted in ClinVar's aggregate classification.
Comment: This variant is classified as likely benign based on ACMG/AMP sequence variant interpretation guidelines (Richards et al. 2015 PMID: 25741868, with internal and published modifications).

NM_017780.4(CHD7):c.8250T>G (p.Phe2750Leu)

Gene: CHD7 (chromodomain helicase DNA binding protein 7; plus strand). Cytogenetic location: 8q12.2.
Variant type: single nucleotide variant.
Coding change: c.8250T>G on transcript NM_017780.4 (MANE Select); coding-DNA position 8250, T replaced by G.
Protein change: p.Phe2750Leu; replaces phenylalanine 2750 with leucine.
Molecular consequence: missense variant.
Genome position (GRCh38, 1-based): chr8:60,865,189, T>G. VCF-style: chr8-60865189-T-G. GRCh37 (hg19) VCF-style: chr8-61777748-T-G.
Other names: c.8250T>G (LRG_176t1); c.2103T>G, p.Phe701Leu (NM_001316690.1); short protein forms F2750L, F701L.
Identifiers: ClinVar variation 379211 (VCV000379211.45), dbSNP rs3750308, ClinGen allele CA4760972.